The following is an entry in ClinVar:

ClinVar aggregate classification (germline): Uncertain significance. Review status: criteria provided, multiple submitters, no conflicts (2 of 4 stars). 2 submissions from 2 submitters: Uncertain significance (2). Last evaluated 2025-05-07.

Submissions (2):

Labcorp Genetics (formerly Invitae), Labcorp
Classification: Uncertain significance. Last evaluated: 2025-05-07. Review status: criteria provided, single submitter. Criteria: Invitae Variant Classification Sherloc (09022015). Collection method: clinical testing. Allele origin: germline.
Comment: This sequence change replaces arginine, which is basic and polar, with cysteine, which is neutral and slightly polar, at codon 224 of the LIPG protein (p.Arg224Cys). This variant is present in population databases (rs758552549, gnomAD 0.006%). This variant has not been reported in the literature in individuals affected with LIPG-related conditions. ClinVar contains an entry for this variant (Variation ID: 3538479). An algorithm developed to predict the effect of missense changes on protein structure and function (PolyPhen-2) suggests that this variant is likely to be tolerated. In summary, the available evidence is currently insufficient to determine the role of this variant in disease. Therefore, it has been classified as a Variant of Uncertain Significance.

Ambry Genetics
Classification: Uncertain significance. Last evaluated: 2024-11-09. Review status: criteria provided, single submitter. Criteria: Ambry Variant Classification Scheme 2023. Collection method: clinical testing. Allele origin: germline.

NM_006033.4(LIPG):c.670C>T (p.Arg224Cys)

Gene: LIPG (lipase G, endothelial type; plus strand). Cytogenetic location: 18q21.1.
Variant type: single nucleotide variant.
Coding change: c.670C>T on transcript NM_006033.4 (MANE Select); coding-DNA position 670, C replaced by T.
Protein change: p.Arg224Cys; replaces arginine 224 with cysteine.
Molecular consequence: missense variant. On other transcripts: intron variant (1).
Genome position (GRCh38, 1-based): chr18:49,575,467, C>T. VCF-style: chr18-49575467-C-T. GRCh37 (hg19) VCF-style: chr18-47101837-C-T.
Other names: c.571+5919C>T (NM_001308006.2); short protein forms R224C.
Identifiers: ClinVar variation 3538479 (VCV003538479.3).